The following is an entry in ClinVar:

NM_018319.4(TDP1):c.194T>A (p.Phe65Tyr)

Genes: TDP1 (tyrosyl-DNA phosphodiesterase 1; plus strand), LOC126862019 (CDK7 strongly-dependent group 2 enhancer GRCh37_chr14:90429220-90430419; plus strand). Cytogenetic location: 14q32.11.
Variant type: single nucleotide variant.
Coding change: c.194T>A on transcript NM_018319.4 (MANE Select); coding-DNA position 194, T replaced by A.
Protein change: p.Phe65Tyr; replaces phenylalanine 65 with tyrosine.
Molecular consequence: missense variant.
Genome position (GRCh38, 1-based): chr14:89,963,308, T>A. VCF-style: chr14-89963308-T-A. GRCh37 (hg19) VCF-style: chr14-90429652-T-A.
Other names: c.194T>A, p.Phe65Tyr (NM_001008744.2, NM_001330205.2); short protein forms F65Y.
Identifiers: ClinVar variation 2524953 (VCV002524953.5), dbSNP rs146583849, ClinGen allele CA7303534.

ClinVar aggregate classification (germline): Uncertain significance. Review status: criteria provided, multiple submitters, no conflicts (2 of 4 stars). 3 submissions from 3 submitters: Uncertain significance (3). Last evaluated 2025-11-20.

Conditions:
Spinocerebellar ataxia, autosomal recessive, with axonal neuropathy 1 (SCAN1). Identifiers: Orphanet 94124, MedGen C4759870, MONDO:0011801, OMIM 607250.

Allele frequency attached by ClinVar (database versions not stated): gnomAD 0.00007; ESP Exome Variant Server 0.00008; gnomAD exomes 0.00008; TOPMed 0.00010; ExAC 0.00012.
gnomAD v4.1: 59 of 1,614,010 alleles (0.0037%); highest among the groups gnomAD compares: Admixed American, 0.097%; no homozygotes.

Submissions (3):

Ambry Genetics
Classification: Uncertain significance. Last evaluated: 2025-11-20. Review status: criteria provided, single submitter. Criteria: Ambry Variant Classification Scheme 2023. Collection method: clinical testing. Allele origin: germline.

ARUP Laboratories, Molecular Genetics and Genomics, ARUP Laboratories
Classification: Uncertain significance for Spinocerebellar ataxia, autosomal recessive, with axonal neuropathy 1. Last evaluated: 2024-10-30. Review status: criteria provided, single submitter. Criteria: ARUP Molecular Germline Variant Investigation Process 2024. Collection method: clinical testing. Allele origin: germline.
Comment: The TDP1 c.194T>A;p.Phe65Tyr variant (rs146583849), to our knowledge, is not reported in the medical literature but is reported in ClinVar (Variation ID: 2524953). This variant is found predominantly in the Admixed American population with an allele frequency of 0.1% (41/35436 alleles) in the Genome Aggregation Database (v2.1.1). Computational analyses predict that this variant is neutral (REVEL: 0.03). Due to limited information, the clinical significance of this variant is uncertain at this time.

Athena Diagnostics
Classification: Uncertain significance. Last evaluated: 2024-01-17. Review status: criteria provided, single submitter. Criteria: Athena Diagnostics Criteria. Collection method: clinical testing. Allele origin: unknown.
Comment: Available data are insufficient to determine the clinical significance of the variant at this time. The frequency of this variant in the general population is higher than would generally be expected for pathogenic variants in this gene. Computational tools predict that this variant is not damaging.